The following is an entry in ClinVar:

NM_003924.4(PHOX2B):c.110G>T (p.Ser37Ile)

Genes: PHOX2B (paired like homeobox 2B; minus strand), PHOX2B-AS1 (PHOX2B antisense RNA 1; plus strand). Cytogenetic location: 4p13.
Variant type: single nucleotide variant.
Coding change: c.110G>T on transcript NM_003924.4 (MANE Select); coding-DNA position 110, G replaced by T.
Protein change: p.Ser37Ile; replaces serine 37 with isoleucine.
Molecular consequence: missense variant. On other transcripts: non-coding transcript variant (1).
Genome position (GRCh38, 1-based): chr4:41,748,501, C>A on the plus strand (G>T on the coding strand, the complement: PHOX2B is on the minus strand). VCF-style: chr4-41748501-C-A. GRCh37 (hg19) VCF-style: chr4-41750518-C-A.
Other names: short protein forms S37I.
Identifiers: ClinVar variation 5026595 (VCV005026595.1).

ClinVar aggregate classification (germline): Uncertain significance (1 of 4 stars; one submission).

Conditions:
Hereditary cancer-predisposing syndrome. Also called: Neoplastic Syndromes, Hereditary; Tumor predisposition; Hereditary neoplastic syndrome; Hereditary Cancer Syndrome. Identifiers: Orphanet 140162, MedGen C0027672, MeSH D009386, MONDO:0015356.

Submission:

Ambry Genetics
Classification: Uncertain significance for Hereditary cancer-predisposing syndrome. Last evaluated: 2026-07-07. Review status: criteria provided, single submitter. Criteria: Ambry Variant Classification Scheme 2023. Collection method: clinical testing. Allele origin: germline.
Comment: The p.S37I variant (also known as c.110G>T), located in coding exon 1 of the PHOX2B gene, results from a G to T substitution at nucleotide position 110. The serine at codon 37 is replaced by isoleucine, an amino acid with dissimilar properties. This amino acid position is conserved. In addition, this alteration is predicted to be deleterious by in silico analysis. Based on the available evidence, the clinical significance of this variant remains unclear.